The following is an entry in ClinVar:

ClinVar aggregate classification (germline): Uncertain significance. Review status: criteria provided, multiple submitters, no conflicts (2 of 4 stars). 2 submissions from 2 submitters: Uncertain significance (2). Last evaluated 2025-04-13.

Conditions:
Inborn genetic diseases. Identifiers: MedGen C0950123, MeSH D030342.

Submissions (2):

Ambry Genetics
Classification: Uncertain significance for Inborn genetic diseases. Last evaluated: 2025-04-13. Review status: criteria provided, single submitter. Criteria: Ambry Variant Classification Scheme 2023. Collection method: clinical testing. Allele origin: germline.

Greenwood Genetic Center Diagnostic Laboratories, Greenwood Genetic Center
Classification: Uncertain significance. Last evaluated: 2023-12-20. Review status: criteria provided, single submitter. Criteria: ACMG Guidelines, 2015. Collection method: clinical testing. Allele origin: germline. Affected: yes.
Comment: PM2

NM_001386298.1(CIC):c.4193G>A (p.Gly1398Asp)

Gene: CIC (capicua transcriptional repressor; plus strand). Cytogenetic location: 19q13.2.
Variant type: single nucleotide variant.
Coding change: c.4193G>A on transcript NM_001386298.1 (MANE Select); coding-DNA position 4193, G replaced by A.
Protein change: p.Gly1398Asp; replaces glycine 1398 with aspartic acid.
Molecular consequence: missense variant.
Genome position (GRCh38, 1-based): chr19:42,290,234, G>A. VCF-style: chr19-42290234-G-A. GRCh37 (hg19) VCF-style: chr19-42794386-G-A.
Other names: c.4193G>A, p.Gly1398Asp (NM_001304815.2, NM_001379480.1, NM_001379482.1 and 1 more transcripts); c.1466G>A, p.Gly489Asp (NM_001379484.1, NM_001379485.1, NM_015125.5); c.1466G>A (NM_015125.3); short protein forms G489D, G1398D.
Identifiers: ClinVar variation 2692517 (VCV002692517.2), dbSNP rs200166587, ClinGen allele CA406103665.